The following is an entry in ClinVar:

ClinVar aggregate classification (germline): Uncertain significance (1 of 4 stars; one submission).

Conditions:
Cardiovascular phenotype. Identifiers: MedGen CN230736.

Allele frequency attached by ClinVar (database versions not stated): gnomAD exomes below 0.00001; ExAC 0.00001; gnomAD 0.00001; TOPMed 0.00001; 1000 Genomes Project 30x 0.00016; 1000 Genomes Project 0.00020.
gnomAD v4.1: 3 of 1,614,202 alleles (0.00019%); highest among the groups gnomAD compares: African/African-American, 0.0027%; no homozygotes.

Submission:

Ambry Genetics
Classification: Uncertain significance for Cardiovascular phenotype. Last evaluated: 2021-11-17. Review status: criteria provided, single submitter. Criteria: Ambry Variant Classification Scheme 2023. Collection method: clinical testing. Allele origin: germline.
Comment: The p.I114M variant (also known as c.342C>G), located in coding exon 1 of the KCNJ5 gene, results from a C to G substitution at nucleotide position 342. The isoleucine at codon 114 is replaced by methionine, an amino acid with highly similar properties. This amino acid position is not well conserved in available vertebrate species. In addition, the in silico prediction for this alteration is inconclusive. Since supporting evidence is limited at this time, the clinical significance of this alteration remains unclear.

NM_000890.5(KCNJ5):c.342C>G (p.Ile114Met)

Gene: KCNJ5 (potassium inwardly rectifying channel subfamily J member 5; plus strand). Cytogenetic location: 11q24.3.
Variant type: single nucleotide variant.
Coding change: c.342C>G on transcript NM_000890.5 (MANE Select); coding-DNA position 342, C replaced by G.
Protein change: p.Ile114Met; replaces isoleucine 114 with methionine.
Molecular consequence: missense variant.
Genome position (GRCh38, 1-based): chr11:128,911,615, C>G. VCF-style: chr11-128911615-C-G. GRCh37 (hg19) VCF-style: chr11-128781510-C-G.
Other names: c.342C>G, p.Ile114Met (NM_001354169.2); short protein forms I114M.
Identifiers: ClinVar variation 1731341 (VCV001731341.2), dbSNP rs539368919, ClinGen allele CA6357856.